The following is an entry in ClinVar:

NM_000141.5(FGFR2):c.870G>T (p.Trp290Cys)

Gene: FGFR2 (fibroblast growth factor receptor 2; minus strand). Cytogenetic location: 10q26.13.
Variant type: single nucleotide variant.
Coding change: c.870G>T on transcript NM_000141.5 (MANE Select); coding-DNA position 870, G replaced by T.
Protein change: p.Trp290Cys; replaces tryptophan 290 with cysteine.
Molecular consequence: missense variant. On other transcripts: non-coding transcript variant (1), intron variant (1).
Genome position (GRCh38, 1-based): chr10:121,520,048, C>A on the plus strand (G>T on the coding strand, the complement: FGFR2 is on the minus strand). VCF-style: chr10-121520048-C-A. GRCh37 (hg19) VCF-style: chr10-123279562-C-A.
Other names: FGFR2, TRP290CYS, 870G-T; c.525G>T, p.Trp175Cys (NM_001144916.2, NM_001144918.2); c.870G>T, p.Trp290Cys (NM_001144917.2, NM_001320658.2, NM_022970.4 and 1 more transcripts); c.603G>T, p.Trp201Cys (NM_001144919.2, NM_023029.3, NM_001144915.2); c.186G>T, p.Trp62Cys (NM_001320654.2); c.749-4729G>T (NM_001144914.1); short protein forms W290C, W175C, W62C, W201C.
Identifiers: ClinVar variation 13293 (VCV000013293.19), dbSNP rs121918499, ClinGen allele CA122994.

ClinVar aggregate classification (germline): Pathogenic. Review status: criteria provided, multiple submitters, no conflicts (2 of 4 stars). 12 submissions from 11 submitters: Pathogenic (9). 3 of the submissions do not count toward it. Last evaluated 2025-10-30.

Conditions:
Pfeiffer syndrome (ACS5). Also called: ACS V. Identifiers: Orphanet 710, MedGen C0220658, MONDO:0007043, OMIM 101600.
Acrocephalosyndactyly type I (ACS1). Also called: Apert syndrome; Acrocephalo-syndactyly type 1; ACS 1; Syndactylic oxycephaly. Identifiers: Orphanet 87, MedGen C0001193, MONDO:0007041, OMIM 101200.
Gastric cancer. Also called: Malignant tumor of stomach; Stomach cancer. Identifiers: MedGen C0024623, MeSH D013274, MONDO:0001056, OMIM 613659, HP:0012126.
Bent bone dysplasia syndrome 1 (BBDS1). Also called: FGFR2-related bent bone dysplasia. Identifiers: Orphanet 313855, MedGen C3281247, MONDO:0013815, OMIM 614592.
Antley-Bixler syndrome without genital anomalies or disordered steroidogenesis (ABS2). Also called: MULTISYNOSTOTIC OSTEODYSGENESIS WITH LONG BONE FRACTURES; Antley-Bixler Syndrome, Autosomal Dominant; Trapezoidocephaly synostosis syndrome; Osteodysgenesis, multisynostotic with fractures. Identifiers: Orphanet 596008, Orphanet 83, MedGen C2936791, MONDO:0020667, OMIM 207410.
Levy-Hollister syndrome (LADD). Also called: LADD syndrome. Identifiers: Orphanet 2363, MedGen C0265269, MONDO:0007872.
Crouzon syndrome. Also called: CRANIOFACIAL DYSOSTOSIS, TYPE I; Craniofacial dysostosis; Craniofacial dysostosis type 1; Crouzon craniofacial dysostosis; Crouzon disease. Identifiers: Orphanet 207, MedGen C0010273, MeSH D003394, MONDO:0007405, OMIM 123500, HP:0004439.
Jackson-Weiss syndrome (JWS). Also called: CRANIOSYNOSTOSIS, MIDFACIAL HYPOPLASIA, AND FOOT ABNORMALITIES. Identifiers: Orphanet 1540, MedGen C0795998, MONDO:0007400, OMIM 123150. Disease mechanism: loss of function.
Beare-Stevenson cutis gyrata syndrome (BSTVS). Identifiers: Orphanet 1555, MedGen C1852406, MONDO:0007412, OMIM 123790.
Saethre-Chotzen syndrome (SCS). Also called: ACROCEPHALY, SKULL ASYMMETRY, AND MILD SYNDACTYLY; ACS III; CHOTZEN SYNDROME. Identifiers: Orphanet 794, MedGen C0175699, MONDO:0007042, OMIM 101400.
Familial scaphocephaly syndrome, McGillivray type. Also called: SCAPHOCEPHALY, MAXILLARY RETRUSION, AND IMPAIRED INTELLECTUAL DEVELOPMENT. Identifiers: Orphanet 168624, MedGen C1865070, MONDO:0012307, OMIM 609579.
FGFR2-related craniosynostosis. Identifiers: MedGen CN231480.
CRANIOFACIAL-SKELETAL-DERMATOLOGIC DYSPLASIA. Identifiers: MedGen CN042705, OMIM 101600.

Submissions (12):

Variantyx, Inc.
Classification: Pathogenic for Pfeiffer syndrome. Last evaluated: 2025-10-30. Review status: criteria provided, single submitter. Criteria: Variantyx Assertion Criteria 2022. Collection method: clinical testing. Allele origin: de novo. Inheritance: Autosomal dominant inheritance. Affected: yes.
Comment: This is a nonsynonymous variant in the FGFR2 gene (OMIM: 176943). Pathogenic variants in this gene have been associated with autosomal dominant Pfeiffer syndrome. This variant has been reported in at least 3 unrelated affected individuals (PMID: 12400058, 18618990, 20809772) (PS4_Moderate). Alternate amino acid changes at this position (p.Trp290Cys, p.Trp290Gly, and p.Trp290Arg) have been previously reported in similarly affected individuals, which suggests that this residue is biologically important (ClinVar: 13281, 13283, 13284) (PM5) and multiple computational algorithms predict a deleterious effect for this variant (REVEL score: 0.982) (PP3). This variant is absent from control populations (PM2). Based on the current evidence, this variant is classified as pathogenic for autosomal dominant Pfeiffer syndrome.

Labcorp Genetics (formerly Invitae), Labcorp
Classification: Pathogenic for FGFR2-related craniosynostosis. Last evaluated: 2025-09-15. Review status: criteria provided, single submitter. Criteria: Invitae Variant Classification Sherloc (09022015). Collection method: clinical testing. Allele origin: germline.
Comment: This sequence change replaces tryptophan, which is neutral and slightly polar, with cysteine, which is neutral and slightly polar, at codon 290 of the FGFR2 protein (p.Trp290Cys). This variant is not present in population databases (gnomAD no frequency). This missense change has been observed in individual(s) with Pfeiffer syndrome (PMID: 9475591, 18618990, 24036790, 27683237). In at least one individual the variant was observed to be de novo. ClinVar contains an entry for this variant (Variation ID: 13293). Invitae Evidence Modeling of protein sequence and biophysical properties (such as structural, functional, and spatial information, amino acid conservation, physicochemical variation, residue mobility, and thermodynamic stability) indicates that this missense variant is expected to disrupt FGFR2 protein function with a positive predictive value of 80%. This variant disrupts the p.Trp290 amino acid residue in FGFR2. Other variant(s) that disrupt this residue have been determined to be pathogenic (PMID: 7655462, 16418739, 20503384, 23431754, 24127277, 24656465). This suggests that this residue is clinically significant, and that variants that disrupt this residue are likely to be disease-causing. For these reasons, this variant has been classified as Pathogenic.

Division of Human Genetics, National Health Laboratory Service/University of the Witwatersrand
Classification: Pathogenic for FGFR2-related craniosynostosis. Last evaluated: 2023-07-01. Review status: criteria provided, single submitter. Criteria: ACMG Guidelines, 2015. Collection method: research. Allele origin: germline. Affected: yes.

Revvity Omics, Revvity
Classification: Pathogenic. Last evaluated: 2022-06-09. Review status: criteria provided, single submitter. Criteria: ACMG Guidelines, 2015. Collection method: clinical testing. Allele origin: germline.

3billion
Classification: Pathogenic for Pfeiffer syndrome. Last evaluated: 2021-10-02. Review status: criteria provided, single submitter. Criteria: ACMG Guidelines, 2015. Collection method: clinical testing. Allele origin: germline. Affected: yes. Observed: 1 heterozygote.
Comment: Same nucleotide change resulting in same amino acid change has been previously reported as pathogenic/likely pathogenic with strong evidence (ClinVar ID: VCV000013281.1/ PMID: [PMID]). The missense variant is located in a mutational hot spot and/or well-established functional domain in which established pathogenic variants have been reported (PM1). It is not observed in the gnomAD v2.1.1 dataset (PM2). A different missense change at the same codon (p.Trp290Ser) has been reported as pathogenic (ClinVar ID:VCV000374812.1, PM5). In silico tool predictions suggest damaging effect of the variant on gene or gene product (REVEL: 0.982, 3Cnet: 0.998, PP3). Patient's phenotype is considered compatible with FGFR2 related disorder (3billion dataset, PP4).Therefore, this variant is classified as pathogenic according to the recommendation of ACMG/AMP guideline.

Fulgent Genetics
Classification: Pathogenic for Acrocephalosyndactyly type I; Saethre-Chotzen syndrome; Pfeiffer syndrome; Jackson-Weiss syndrome; Crouzon syndrome; Beare-Stevenson cutis gyrata syndrome; LADD syndrome 1; Antley-Bixler syndrome without genital anomalies or disordered steroidogenesis; Familial scaphocephaly syndrome, McGillivray type; Gastric cancer; Bent bone dysplasia syndrome 1. Last evaluated: 2021-08-09. Review status: criteria provided, single submitter. Criteria: ACMG Guidelines, 2015. Collection method: clinical testing. Allele origin: unknown.

Institute of Medical Genetics and Applied Genomics, University Hospital Tübingen
Classification: Pathogenic. Last evaluated: 2020-10-23. Review status: criteria provided, single submitter. Criteria: ACMG Guidelines, 2015. Collection method: clinical testing. Allele origin: germline. Inheritance: Unknown mechanism. Affected: yes.

Genomic Diagnostic Laboratory, Division of Genomic Diagnostics, Children's Hospital of Philadelphia
Classification: Pathogenic for Pfeiffer syndrome. Last evaluated: 2016-09-17. Review status: criteria provided, single submitter. Criteria: DGD Variant Analysis Guidelines. Collection method: clinical testing. Allele origin: germline. Affected: yes. Observed: 8 variant alleles.
Comment: Clinical Testing

Department of Medical Genetics, Oslo University Hospital
Classification: Pathogenic for Pfeiffer syndrome. Review status: criteria provided, single submitter. Criteria: ACMG Guidelines, 2015. Collection method: clinical testing. Allele origin: germline. Affected: yes. Observed: 1 variant allele, 1 heterozygote.

Baylor Genetics
Classification: Pathogenic for Pfeiffer syndrome. Last evaluated: 2018-11-18. Review status: no assertion criteria provided. Collection method: clinical testing. Allele origin: germline. Affected: yes. Not counted in ClinVar's aggregate classification.

OMIM
Classification: Pathogenic for PFEIFFER SYNDROME. Last evaluated: 2002-11-15. Review status: no assertion criteria provided. Collection method: literature only. Allele origin: germline. Not counted in ClinVar's aggregate classification.

OMIM
Classification: Pathogenic for CRANIOFACIAL-SKELETAL-DERMATOLOGIC DYSPLASIA. Last evaluated: 2002-11-15. Review status: no assertion criteria provided. Collection method: literature only. Allele origin: germline. Not counted in ClinVar's aggregate classification.

Literature cited by the submitters: PubMed 12400058 (cited by Variantyx, Inc. and OMIM); PubMed 18618990 (cited by Variantyx, Inc. and Labcorp Genetics (formerly Invitae), Labcorp); PubMed 20809772 (cited by Variantyx, Inc.); PubMed 9475591 (cited by Labcorp Genetics (formerly Invitae), Labcorp and OMIM); PubMed 24036790 (cited by Labcorp Genetics (formerly Invitae), Labcorp); PubMed 27683237 (cited by Labcorp Genetics (formerly Invitae), Labcorp); PubMed 7655462 (cited by Labcorp Genetics (formerly Invitae), Labcorp); PubMed 16418739 (cited by Labcorp Genetics (formerly Invitae), Labcorp); PubMed 20503384 (cited by Labcorp Genetics (formerly Invitae), Labcorp); PubMed 23431754 (cited by Labcorp Genetics (formerly Invitae), Labcorp); PubMed 24127277 (cited by Labcorp Genetics (formerly Invitae), Labcorp); PubMed 24656465 (cited by Labcorp Genetics (formerly Invitae), Labcorp); PubMed 9150725 (cited by OMIM).